The following is an entry in ClinVar:

NM_001927.4(DES):c.2T>G (p.Met1Arg)

Gene: DES (desmin; plus strand). Cytogenetic location: 2q35.
Variant type: single nucleotide variant.
Coding change: c.2T>G on transcript NM_001927.4 (MANE Select); coding-DNA position 2, T replaced by G.
Protein change: p.Met1Arg; changes the start codon (methionine 1).
Molecular consequence: missense variant, initiator codon variant.
Genome position (GRCh38, 1-based): chr2:219,418,464, T>G. VCF-style: chr2-219418464-T-G. GRCh37 (hg19) VCF-style: chr2-220283186-T-G.
Other names: c.2T>G, p.Met1Arg (NM_001382708.1, NM_001382709.1, NM_001382710.1 and 3 more transcripts); short protein forms M1R.
Identifiers: ClinVar variation 3758728 (VCV003758728.2).

ClinVar aggregate classification (germline): Likely pathogenic (1 of 4 stars; one submission).

Conditions:
Desmin-related myofibrillar myopathy (MFM1). Also called: Desminopathy; Desmin related myopathy (former name); Desmin storage myopathy (former name); MYOFIBRILLAR MYOPATHY WITH ARRHYTHMOGENIC RIGHT VENTRICULAR CARDIOMYOPATHY; DESMIN-RELATED MYOPATHY WITH ARRHYTHMOGENIC RIGHT VENTRICULAR CARDIOMYOPATHY; Myofibrillar myopathy 1. Identifiers: Orphanet 363543, Orphanet 98909, MedGen C1832370, MONDO:0011076, OMIM 601419.

Submission:

Labcorp Genetics (formerly Invitae), Labcorp
Classification: Likely pathogenic for Desmin-related myofibrillar myopathy. Last evaluated: 2024-09-13. Review status: criteria provided, single submitter. Criteria: Invitae Variant Classification Sherloc (09022015). Collection method: clinical testing. Allele origin: germline.
Comment: This sequence change affects the initiator methionine of the DES mRNA. The next in-frame methionine is located at codon 263. This variant is not present in population databases (gnomAD no frequency). This variant has not been reported in the literature in individuals affected with DES-related conditions. This variant disrupts head, Coil 1A, and Coil 1B domains of the DES protein, which are important for desmin-mitochondrial interaction (PMID: 33825342, 15477095) . While functional studies have not been performed to directly test the effect of this variant on DES protein function, this suggests that disruption of this region of the protein is causative of disease. In summary, the currently available evidence indicates that the variant is pathogenic, but additional data are needed to prove that conclusively. Therefore, this variant has been classified as Likely Pathogenic.

Literature cited by the submitters: PubMed 33825342; PubMed 15477095.